The following is an entry in ClinVar:

NM_015178.3(RHOBTB2):c.1697G>A (p.Ser566Asn)

Gene: RHOBTB2 (Rho related BTB domain containing 2; plus strand). Cytogenetic location: 8p21.3.
Variant type: single nucleotide variant.
Coding change: c.1697G>A on transcript NM_015178.3 (MANE Select); coding-DNA position 1697, G replaced by A.
Protein change: p.Ser566Asn; replaces serine 566 with asparagine.
Molecular consequence: missense variant.
Genome position (GRCh38, 1-based): chr8:23,010,614, G>A. VCF-style: chr8-23010614-G-A. GRCh37 (hg19) VCF-style: chr8-22868127-G-A.
Other names: c.1763G>A, p.Ser588Asn (NM_001160036.2); c.1718G>A, p.Ser573Asn (NM_001160037.2); c.1697G>A, p.Ser566Asn (NM_001374791.1); short protein forms S566N, S573N, S588N.
Identifiers: ClinVar variation 2583061 (VCV002583061.26), dbSNP rs766510140, ClinGen allele CA4672738.

ClinVar aggregate classification (germline): Uncertain significance. Review status: criteria provided, multiple submitters, no conflicts (2 of 4 stars). 2 submissions from 2 submitters: Uncertain significance (2). Last evaluated 2025-11-12.

Allele frequency attached by ClinVar (database versions not stated): gnomAD 0.00001; gnomAD exomes 0.00001; ExAC 0.00002.
gnomAD v4.1: 7 of 1,614,042 alleles (0.00043%); highest among the groups gnomAD compares: Admixed American, 0.01%; no homozygotes.

Submissions (2):

Labcorp Genetics (formerly Invitae), Labcorp
Classification: Uncertain significance. Last evaluated: 2025-11-12. Review status: criteria provided, single submitter. Criteria: Invitae Variant Classification Sherloc (09022015). Collection method: clinical testing. Allele origin: germline.
Comment: This sequence change replaces serine, which is neutral and polar, with asparagine, which is neutral and polar, at codon 588 of the RHOBTB2 protein (p.Ser588Asn). This variant is present in population databases (rs766510140, gnomAD 0.009%). This variant has not been reported in the literature in individuals affected with RHOBTB2-related conditions. ClinVar contains an entry for this variant (Variation ID: 2583061). Invitae Evidence Modeling of protein sequence and biophysical properties (such as structural, functional, and spatial information, amino acid conservation, physicochemical variation, residue mobility, and thermodynamic stability) indicates that this missense variant is not expected to disrupt RHOBTB2 protein function with a negative predictive value of 80%. In summary, the available evidence is currently insufficient to determine the role of this variant in disease. Therefore, it has been classified as a Variant of Uncertain Significance.

CeGaT Center for Human Genetics Tuebingen
Classification: Uncertain significance. Last evaluated: 2023-09-01. Review status: criteria provided, single submitter. Criteria: CeGaT Center For Human Genetics Tuebingen Variant Classification Criteria Version 2. Collection method: clinical testing. Allele origin: germline. Affected: yes. Observed: 1 variant allele.
Comment: RHOBTB2: PM2, BP4